The following is an entry in ClinVar:

NM_001046.3(SLC12A2):c.991A>G (p.Thr331Ala)

Gene: SLC12A2 (solute carrier family 12 member 2; plus strand). Cytogenetic location: 5q23.3.
Variant type: single nucleotide variant.
Coding change: c.991A>G on transcript NM_001046.3 (MANE Select); coding-DNA position 991, A replaced by G.
Protein change: p.Thr331Ala; replaces threonine 331 with alanine.
Molecular consequence: missense variant. On other transcripts: non-coding transcript variant (1).
Genome position (GRCh38, 1-based): chr5:128,114,624, A>G. VCF-style: chr5-128114624-A-G. GRCh37 (hg19) VCF-style: chr5-127450316-A-G.
Other names: c.991A>G, p.Thr331Ala (NM_001256461.2); short protein forms T331A.
Identifiers: ClinVar variation 1996635 (VCV001996635.4), dbSNP rs2479294333, ClinGen allele CA360738551.

ClinVar aggregate classification (germline): Uncertain significance (1 of 4 stars; one submission).

Submission:

Labcorp Genetics (formerly Invitae), Labcorp
Classification: Uncertain significance. Last evaluated: 2022-09-28. Review status: criteria provided, single submitter. Criteria: Invitae Variant Classification Sherloc (09022015). Collection method: clinical testing. Allele origin: germline.
Comment: In summary, the available evidence is currently insufficient to determine the role of this variant in disease. Therefore, it has been classified as a Variant of Uncertain Significance. Advanced modeling of protein sequence and biophysical properties (such as structural, functional, and spatial information, amino acid conservation, physicochemical variation, residue mobility, and thermodynamic stability) has been performed at Invitae for this missense variant, however the output from this modeling did not meet the statistical confidence thresholds required to predict the impact of this variant on SLC12A2 protein function. This variant has not been reported in the literature in individuals affected with SLC12A2-related conditions. This variant is not present in population databases (gnomAD no frequency). This sequence change replaces threonine, which is neutral and polar, with alanine, which is neutral and non-polar, at codon 331 of the SLC12A2 protein (p.Thr331Ala).